The following is an entry in ClinVar:

NM_000214.3(JAG1):c.1291A>G (p.Ile431Val)

Gene: JAG1 (jagged canonical Notch ligand 1; minus strand). Cytogenetic location: 20p12.2.
Variant type: single nucleotide variant.
Coding change: c.1291A>G on transcript NM_000214.3 (MANE Select); coding-DNA position 1291, A replaced by G.
Protein change: p.Ile431Val; replaces isoleucine 431 with valine.
Molecular consequence: missense variant.
Genome position (GRCh38, 1-based): chr20:10,649,579, T>C on the plus strand (A>G on the coding strand, the complement: JAG1 is on the minus strand). VCF-style: chr20-10649579-T-C. GRCh37 (hg19) VCF-style: chr20-10630227-T-C.
Other names: short protein forms I431V.
Identifiers: ClinVar variation 3862095 (VCV003862095.6).

ClinVar aggregate classification (germline): Uncertain significance. Review status: criteria provided, multiple submitters, no conflicts (2 of 4 stars). 2 submissions from 2 submitters: Uncertain significance (2). Last evaluated 2025-12-01.

Conditions:
Cardiovascular phenotype. Identifiers: MedGen CN230736.

Submissions (2):

CeGaT Center for Human Genetics Tuebingen
Classification: Uncertain significance. Last evaluated: 2025-12-01. Review status: criteria provided, single submitter. Criteria: CeGaT Center For Human Genetics Tuebingen Variant Classification Criteria Version 2. Collection method: clinical testing. Allele origin: germline. Affected: yes. Observed: 1 variant allele.
Comment: JAG1: PM2

Ambry Genetics
Classification: Uncertain significance for Cardiovascular phenotype. Last evaluated: 2024-12-21. Review status: criteria provided, single submitter. Criteria: Ambry Variant Classification Scheme 2023. Collection method: clinical testing. Allele origin: germline.
Comment: The p.I431V variant (also known as c.1291A>G), located in coding exon 10 of the JAG1 gene, results from an A to G substitution at nucleotide position 1291. The isoleucine at codon 431 is replaced by valine, an amino acid with highly similar properties. This amino acid position is conserved. In addition, this alteration is predicted to be tolerated by in silico analysis. Based on the available evidence, the clinical significance of this variant remains unclear.